The following is an entry in ClinVar:

ClinVar aggregate classification (germline): Uncertain significance (1 of 4 stars; one submission).

Allele frequency attached by ClinVar (database versions not stated): gnomAD exomes below 0.00001; gnomAD 0.00003; TOPMed 0.00004.
gnomAD v4.1: 9 of 1,590,044 alleles (0.00057%); highest among the groups gnomAD compares: African/African-American, 0.011%; no homozygotes.

Submission:

Labcorp Genetics (formerly Invitae), Labcorp
Classification: Uncertain significance. Last evaluated: 2022-03-14. Review status: criteria provided, single submitter. Criteria: Invitae Variant Classification Sherloc (09022015). Collection method: clinical testing. Allele origin: germline.
Comment: This sequence change replaces alanine, which is neutral and non-polar, with proline, which is neutral and non-polar, at codon 1022 of the ARHGEF18 protein (p.Ala1022Pro). This variant is present in population databases (rs748242858, gnomAD 0.005%). This variant has not been reported in the literature in individuals affected with ARHGEF18-related conditions. Algorithms developed to predict the effect of missense changes on protein structure and function are either unavailable or do not agree on the potential impact of this missense change (SIFT: "Tolerated"; PolyPhen-2: "Possibly Damaging"; Align-GVGD: "Class C0"). In summary, the available evidence is currently insufficient to determine the role of this variant in disease. Therefore, it has been classified as a Variant of Uncertain Significance.

NM_001367823.1(ARHGEF18):c.3628G>C (p.Ala1210Pro)

Gene: ARHGEF18 (Rho/Rac guanine nucleotide exchange factor 18; plus strand). Cytogenetic location: 19p13.2.
Variant type: single nucleotide variant.
Coding change: c.3628G>C on transcript NM_001367823.1 (MANE Select); coding-DNA position 3628, G replaced by C.
Protein change: p.Ala1210Pro; replaces alanine 1210 with proline.
Molecular consequence: missense variant.
Genome position (GRCh38, 1-based): chr19:7,468,972, G>C. VCF-style: chr19-7468972-G-C. GRCh37 (hg19) VCF-style: chr19-7533858-G-C.
Other names: c.2902G>C, p.Ala968Pro (NM_001130955.2); c.2590G>C, p.Ala864Pro (NM_001367824.1, NM_015318.4); short protein forms A1210P, A864P, A968P.
Identifiers: ClinVar variation 1971964 (VCV001971964.2), dbSNP rs748242858, ClinGen allele CA9137201.